The following is an entry in ClinVar:

ClinVar aggregate classification (germline): Uncertain significance (1 of 4 stars; one submission).

Allele frequency attached by ClinVar (database versions not stated): TOPMed below 0.00001.

Submission:

Labcorp Genetics (formerly Invitae), Labcorp
Classification: Uncertain significance. Last evaluated: 2026-01-05. Review status: criteria provided, single submitter. Criteria: Invitae Variant Classification Sherloc (09022015). Collection method: clinical testing. Allele origin: germline.
Comment: This sequence change replaces threonine, which is neutral and polar, with alanine, which is neutral and non-polar, at codon 1073 of the SLC24A1 protein (p.Thr1073Ala). This variant is not present in population databases (gnomAD no frequency). This variant has not been reported in the literature in individuals affected with SLC24A1-related conditions. ClinVar contains an entry for this variant (Variation ID: 2099375). An algorithm developed to predict the effect of missense changes on protein structure and function (PolyPhen-2) suggests that this variant is likely to be tolerated. In summary, the available evidence is currently insufficient to determine the role of this variant in disease. Therefore, it has been classified as a Variant of Uncertain Significance.

NM_004727.3(SLC24A1):c.3217A>G (p.Thr1073Ala)

Gene: SLC24A1 (solute carrier family 24 member 1; plus strand). Cytogenetic location: 15q22.31.
Variant type: single nucleotide variant.
Coding change: c.3217A>G on transcript NM_004727.3 (MANE Select); coding-DNA position 3217, A replaced by G.
Protein change: p.Thr1073Ala; replaces threonine 1073 with alanine.
Molecular consequence: missense variant. On other transcripts: intron variant (1).
Genome position (GRCh38, 1-based): chr15:65,653,996, A>G. VCF-style: chr15-65653996-A-G. GRCh37 (hg19) VCF-style: chr15-65946334-A-G.
Other names: c.1198A>G, p.Thr400Ala (NM_001254740.2); c.3127A>G, p.Thr1043Ala (NM_001301031.1); c.3163A>G, p.Thr1055Ala (NM_001301032.1); c.2875A>G, p.Thr959Ala (NM_001411142.1); c.2996+1188A>G (NM_001301033.2); short protein forms T1043A, T959A, T1055A, T1073A, T400A.
Identifiers: ClinVar variation 2099375 (VCV002099375.4), dbSNP rs918988979, ClinGen allele CA271573467.